The following is an entry in ClinVar:

NM_001379110.1(SLC9A6):c.833T>G (p.Ile278Ser)

Gene: SLC9A6 (solute carrier family 9 member A6; plus strand). Cytogenetic location: Xq26.3.
Variant type: single nucleotide variant.
Coding change: c.833T>G on transcript NM_001379110.1 (MANE Select); coding-DNA position 833, T replaced by G.
Protein change: p.Ile278Ser; replaces isoleucine 278 with serine.
Molecular consequence: missense variant.
Genome position (GRCh38, 1-based): chrX:136,010,531, T>G. VCF-style: chrX-136010531-T-G. GRCh37 (hg19) VCF-style: chrX-135092690-T-G.
Other names: c.989T>G, p.Ile330Ser (NM_001042537.2); c.833T>G, p.Ile278Ser (NM_001177651.2, NM_001400909.1, NM_001400910.1 and 2 more transcripts); c.737T>G, p.Ile246Ser (NM_001330652.2, NM_001400913.1); c.893T>G, p.Ile298Ser (NM_006359.3); short protein forms I246S, I278S, I298S, I330S.
Identifiers: ClinVar variation 3766003 (VCV003766003.1).
Genomic context (GRCh38, chrX:136,010,531, plus strand): 5'-ACAACAGTCACACCTTTGATGTCACAGCGATGTTCAAGTCTATTGGGATCTTCCTTGGAA[T>G]CTTCAGTGGATCTTTTGCAATGGGTGCTGCTACTGGAGTGGTGACAGCTTTAATATCCTT-3'
Protein context (NP_001366039.1, residues 268-288): MFKSIGIFLG[Ile278Ser]FSGSFAMGAA

ClinVar aggregate classification (germline): Uncertain significance (1 of 4 stars; one submission).

Submission:

GeneDx
Classification: Uncertain significance. Last evaluated: 2024-09-03. Review status: criteria provided, single submitter. Criteria: GeneDx Variant Classification Process June 2021. Collection method: clinical testing. Allele origin: germline. Affected: yes.
Comment: Not observed at significant frequency in large population cohorts (gnomAD); In silico analysis supports that this missense variant has a deleterious effect on protein structure/function; Has not been previously published as pathogenic or benign to our knowledge